The following is an entry in ClinVar:

NM_007286.6(SYNPO):c.1019A>G (p.Tyr340Cys)

Gene: SYNPO (synaptopodin; plus strand). Cytogenetic location: 5q33.1.
Variant type: single nucleotide variant.
Coding change: c.1019A>G on transcript NM_007286.6 (MANE Select); coding-DNA position 1019, A replaced by G.
Protein change: p.Tyr340Cys; replaces tyrosine 340 with cysteine.
Molecular consequence: missense variant.
Genome position (GRCh38, 1-based): chr5:150,649,294, A>G. VCF-style: chr5-150649294-A-G. GRCh37 (hg19) VCF-style: chr5-150028856-A-G.
Other names: c.1019A>G, p.Tyr340Cys (NM_001109974.3); c.1751A>G, p.Tyr584Cys (NM_001166208.2, NM_001166209.2); short protein forms Y340C, Y584C.
Identifiers: ClinVar variation 2867681 (VCV002867681.3), dbSNP rs759292082, ClinGen allele CA3513330.

ClinVar aggregate classification (germline): Uncertain significance (1 of 4 stars; one submission).

Allele frequency attached by ClinVar (database versions not stated): gnomAD 0.00001; gnomAD exomes 0.00001; TOPMed 0.00002; ExAC 0.00003.
gnomAD v4.1: 15 of 1,613,922 alleles (0.00093%); highest among the groups gnomAD compares: East Asian, 0.029%; no homozygotes.

Submission:

Labcorp Genetics (formerly Invitae), Labcorp
Classification: Uncertain significance. Last evaluated: 2023-11-24. Review status: criteria provided, single submitter. Criteria: Invitae Variant Classification Sherloc (09022015). Collection method: clinical testing. Allele origin: germline.
Comment: This sequence change replaces tyrosine, which is neutral and polar, with cysteine, which is neutral and slightly polar, at codon 340 of the SYNPO protein (p.Tyr340Cys). The frequency data for this variant in the population databases is considered unreliable, as metrics indicate poor data quality at this position in the gnomAD database. This variant has not been reported in the literature in individuals affected with SYNPO-related conditions. An algorithm developed to predict the effect of missense changes on protein structure and function (PolyPhen-2) suggests that this variant is likely to be disruptive. In summary, the available evidence is currently insufficient to determine the role of this variant in disease. Therefore, it has been classified as a Variant of Uncertain Significance.